The following is an entry in ClinVar:

ClinVar aggregate classification (germline): Pathogenic (1 of 4 stars; one submission).

Conditions:
Hereditary nonpolyposis colorectal neoplasms. Identifiers: MedGen C0009405, MeSH D003123.

Submission:

Labcorp Genetics (formerly Invitae), Labcorp
Classification: Pathogenic for Hereditary nonpolyposis colon cancer. Last evaluated: 2019-08-30. Review status: criteria provided, single submitter. Criteria: Invitae Variant Classification Sherloc (09022015). Collection method: clinical testing. Allele origin: germline.
Comment: This sequence change inserts a large fragment of DNA, likely a transposable element, in exon 11 of the PMS2 gene (c.1848_1849insAlu), causing a frameshift at codon 617 (p.Pro617fs). The exact size and sequence of the insertion cannot be determined by the current assay. However, the insertion is expected to result in an absent or disrupted protein product. Retrotransposon insertions including LINE1 (L1), Alu, and SVA (SINE-VNTR-Alu) have been reported to be disease-causing through disruption of either a coding region or splice site (PMID: 19763152, 20307669, 22406018). Although this variant has not been reported in the literature, loss-of-function variants in PMS2 are known to be pathogenic (PMID: 21376568, 24362816). For these reasons, this variant has been classified as Pathogenic.

Literature cited by the submitters: PubMed 20307669; PubMed 22406018; PubMed 24362816; PubMed 19763152; PubMed 21376568.

NM_000535.5:c.1848_1849insAlu

Gene: PMS2 (PMS1 homolog 2, mismatch repair system component; minus strand). Cytogenetic location: 7p22.1.
Variant type: Insertion.
Identifiers: ClinVar variation 870288 (VCV000870288.1).